The following is an entry in ClinVar:

ClinVar aggregate classification (germline): Pathogenic (1 of 4 stars; one submission).

Conditions:
Neurofibromatosis, type 1 (NF1). Also called: NEUROFIBROMATOSIS, TYPE I, SOMATIC; VON RECKLINGHAUSEN DISEASE; Peripheral type neurofibromatosis; Neurofibromatosis, type I. Identifiers: Orphanet 636, MedGen C0027831, MONDO:0018975, OMIM 162200. Disease mechanism: loss of function.

Submission:

Labcorp Genetics (formerly Invitae), Labcorp
Classification: Pathogenic for Neurofibromatosis, type 1. Last evaluated: 2025-08-20. Review status: criteria provided, single submitter. Criteria: Invitae Variant Classification Sherloc (09022015). Collection method: clinical testing. Allele origin: germline.
Comment: This sequence change creates a premature translational stop signal (p.His1170Argfs*13) in the NF1 gene. It is expected to result in an absent or disrupted protein product. Loss-of-function variants in NF1 are known to be pathogenic (PMID: 10712197, 23913538). This variant is not present in population databases (gnomAD no frequency). This variant has not been reported in the literature in individuals affected with NF1-related conditions. For these reasons, this variant has been classified as Pathogenic.

Literature cited by the submitters: PubMed 10712197; PubMed 23913538.

NM_001042492.3(NF1):c.3508_3511del (p.His1170fs)

Gene: NF1 (neurofibromin 1; plus strand). Cytogenetic location: 17q11.2.
Variant type: Deletion.
Coding change: c.3508_3511del on transcript NM_001042492.3 (MANE Select); coding-DNA positions 3508 to 3511, 4 bases deleted (CACA; older notation c.3508_3511delCACA).
Protein change: p.His1170fs; shifts the reading frame from histidine 1170.
Molecular consequence: frameshift variant.
Genome position (GRCh38, 1-based): chr17:31,233,013-31,233,016, CACA deleted. VCF-style (leftmost placement, unchanged base first): chr17-31233012-CCACA-C. GRCh37 (hg19) VCF-style: chr17-29560030-CCACA-C.
Other names: c.3508_3511del, p.His1170fs (NM_000267.4); short protein forms H1170fs.
Identifiers: ClinVar variation 4725729 (VCV004725729.1).